The following is an entry in ClinVar:

ClinVar aggregate classification (germline): Uncertain significance (1 of 4 stars; one submission).

Conditions:
Inborn genetic diseases. Identifiers: MedGen C0950123, MeSH D030342.

Submission:

Ambry Genetics
Classification: Uncertain significance for Inborn genetic diseases. Last evaluated: 2025-08-19. Review status: criteria provided, single submitter. Criteria: Ambry Variant Classification Scheme 2023. Collection method: clinical testing. Allele origin: germline.
Comment: The p.A1442T variant (also known as c.4324G>A), located in coding exon 43 of the FANCA gene, results from a G to A substitution at nucleotide position 4324. The alanine at codon 1442 is replaced by threonine, an amino acid with similar properties. This amino acid position is conserved. In addition, this alteration is predicted to be tolerated by in silico analysis. Based on the available evidence, the clinical significance of this variant remains unclear.

NM_000135.4(FANCA):c.4324G>A (p.Ala1442Thr)

Genes: FANCA (FA complementation group A; minus strand), ZNF276 (zinc finger protein 276; plus strand). Cytogenetic location: 16q24.3.
Variant type: single nucleotide variant.
Coding change: c.4324G>A on transcript NM_000135.4 (MANE Select); coding-DNA position 4324, G replaced by A.
Protein change: p.Ala1442Thr; replaces alanine 1442 with threonine.
Molecular consequence: missense variant. On other transcripts: 3 prime UTR variant (3), non-coding transcript variant (4).
Genome position (GRCh38, 1-based): chr16:89,738,645, C>T on the plus strand (G>A on the coding strand, the complement: FANCA is on the minus strand). VCF-style: chr16-89738645-C-T. GRCh37 (hg19) VCF-style: chr16-89805053-C-T.
Other names: c.*53G>A (NM_001286167.3); c.*399C>T (NM_001113525.2, NM_152287.4); short protein forms A1442T.
Identifiers: ClinVar variation 4254295 (VCV004254295.1).